The following is an entry in ClinVar:

ClinVar aggregate classification (germline): Uncertain significance (1 of 4 stars; one submission).

Submission:

Labcorp Genetics (formerly Invitae), Labcorp
Classification: Uncertain significance. Last evaluated: 2025-12-24. Review status: criteria provided, single submitter. Criteria: Invitae Variant Classification Sherloc (09022015). Collection method: clinical testing. Allele origin: germline.
Comment: This sequence change replaces isoleucine, which is neutral and non-polar, with threonine, which is neutral and polar, at codon 232 of the SLC10A2 protein (p.Ile232Thr). This variant is not present in population databases (gnomAD no frequency). This variant has not been reported in the literature in individuals affected with SLC10A2-related conditions. Invitae Evidence Modeling of protein sequence and biophysical properties (such as structural, functional, and spatial information, amino acid conservation, physicochemical variation, residue mobility, and thermodynamic stability) indicates that this missense variant is not expected to disrupt SLC10A2 protein function with a negative predictive value of 80%. In summary, the available evidence is currently insufficient to determine the role of this variant in disease. Therefore, it has been classified as a Variant of Uncertain Significance.

NM_000452.3(SLC10A2):c.695T>C (p.Ile232Thr)

Gene: SLC10A2 (solute carrier family 10 member 2; minus strand). Cytogenetic location: 13q33.1.
Variant type: single nucleotide variant.
Coding change: c.695T>C on transcript NM_000452.3 (MANE Select); coding-DNA position 695, T replaced by C.
Protein change: p.Ile232Thr; replaces isoleucine 232 with threonine.
Molecular consequence: missense variant.
Genome position (GRCh38, 1-based): chr13:103,051,323, A>G on the plus strand (T>C on the coding strand, the complement: SLC10A2 is on the minus strand). VCF-style: chr13-103051323-A-G. GRCh37 (hg19) VCF-style: chr13-103703673-A-G.
Other names: short protein forms I232T.
Identifiers: ClinVar variation 4744024 (VCV004744024.1).